The following is an entry in ClinVar:

NM_002439.5(MSH3):c.2453A>G (p.Tyr818Cys)

Gene: MSH3 (mutS homolog 3; plus strand). Cytogenetic location: 5q14.1.
Variant type: single nucleotide variant.
Coding change: c.2453A>G on transcript NM_002439.5 (MANE Select); coding-DNA position 2453, A replaced by G.
Protein change: p.Tyr818Cys; replaces tyrosine 818 with cysteine.
Molecular consequence: missense variant.
Genome position (GRCh38, 1-based): chr5:80,787,582, A>G. VCF-style: chr5-80787582-A-G. GRCh37 (hg19) VCF-style: chr5-80083401-A-G.
Other names: c.2453A>G (NM_002439.3); short protein forms Y818C.
Identifiers: ClinVar variation 1430153 (VCV001430153.7), dbSNP rs1311790719, ClinGen allele CA360283014.
Genomic context (GRCh38, chr5:80,787,582, plus strand): 5'-TATCAGTTTGCTCACCTTTTTGTTGTTGCTGCTGCTTCCGTAGGAAATTCAGTGAACATT[A>G]TCACTCCTTGTGTAAAGCAGTGCATCACCTAGCAACTGTTGACTGCATTTTCTCCCTGGC-3'
Protein context (NP_002430.3, residues 808-828): LDFLEKFSEH[Tyr818Cys]HSLCKAVHHL

ClinVar aggregate classification (germline): Uncertain significance. Review status: criteria provided, multiple submitters, no conflicts (2 of 4 stars). 2 submissions from 2 submitters: Uncertain significance (2). Last evaluated 2024-05-22.

Conditions:
Hereditary cancer-predisposing syndrome. Also called: Hereditary Cancer Syndrome; Hereditary neoplastic syndrome; Neoplastic Syndromes, Hereditary; Tumor predisposition. Identifiers: Orphanet 140162, MedGen C0027672, MeSH D009386, MONDO:0015356.

Allele frequency attached by ClinVar (database versions not stated): gnomAD exomes below 0.00001; gnomAD 0.00001.

Submissions (2):

Labcorp Genetics (formerly Invitae), Labcorp
Classification: Uncertain significance. Last evaluated: 2024-05-22. Review status: criteria provided, single submitter. Criteria: Invitae Variant Classification Sherloc (09022015). Collection method: clinical testing. Allele origin: germline.
Comment: This sequence change replaces tyrosine, which is neutral and polar, with cysteine, which is neutral and slightly polar, at codon 818 of the MSH3 protein (p.Tyr818Cys). This variant is present in population databases (no rsID available, gnomAD 0.06%). This variant has not been reported in the literature in individuals affected with MSH3-related conditions. ClinVar contains an entry for this variant (Variation ID: 1430153). An algorithm developed to predict the effect of missense changes on protein structure and function (PolyPhen-2) suggests that this variant is likely to be disruptive. In summary, the available evidence is currently insufficient to determine the role of this variant in disease. Therefore, it has been classified as a Variant of Uncertain Significance.

Ambry Genetics
Classification: Uncertain significance for Hereditary cancer-predisposing syndrome. Last evaluated: 2024-04-03. Review status: criteria provided, single submitter. Criteria: Ambry Variant Classification Scheme 2023. Collection method: clinical testing. Allele origin: germline.
Comment: The p.Y818C variant (also known as c.2453A>G), located in coding exon 18 of the MSH3 gene, results from an A to G substitution at nucleotide position 2453. The tyrosine at codon 818 is replaced by cysteine, an amino acid with highly dissimilar properties. This amino acid position is well conserved in available vertebrate species. In addition, the in silico prediction for this alteration is inconclusive. Based on the available evidence, the clinical significance of this variant remains unclear.